The following is an entry in ClinVar:

ClinVar aggregate classification (germline): Conflicting classifications of pathogenicity. Review status: criteria provided, conflicting classifications (1 of 4 stars). 7 submissions from 7 submitters: Uncertain significance (4); Likely benign (2). 1 of the submissions does not count toward it. Last evaluated 2025-07-21.

Conditions:
Epidermolysis bullosa simplex 5B, with muscular dystrophy (EBS5B). Also called: EPIDERMOLYSIS BULLOSA SIMPLEX AND LIMB-GIRDLE MUSCULAR DYSTROPHY; Epidermolysis bullosa simplex with muscular dystrophy. Identifiers: Orphanet 257, MedGen C2931072, MONDO:0009181, OMIM 226670.
Epidermolysis bullosa simplex with nail dystrophy (EBS5D). Identifiers: MedGen C4225309, MONDO:0014661, OMIM 616487.
Autosomal recessive limb-girdle muscular dystrophy type 2Q (LGMDR17). Also called: MUSCULAR DYSTROPHY, LIMB-GIRDLE, AUTOSOMAL RECESSIVE 17. Identifiers: Orphanet 254361, MedGen C3150989, MONDO:0013390, OMIM 613723.
Epidermolysis bullosa simplex 5C, with pyloric atresia (EBS5C). Also called: PLEC1-Related Epidermolysis Bullosa with Pyloric Atresia; PLEC-Related Epidermolysis Bullosa with Pyloric Atresia; Epidermolysis bullosa simplex with pyloric atresia. Identifiers: Orphanet 158684, MedGen C2677349, MONDO:0012807, OMIM 612138.
Epidermolysis bullosa simplex, Ogna type (EBS5A). Also called: Pidermolysis bullosa simplex 5A, Ogna type; EPIDERMOLYSIS BULLOSA SIMPLEX 5A, OGNA TYPE. Identifiers: Orphanet 79401, MedGen C0432317, MONDO:0007555, OMIM 131950.
Junctional epidermolysis bullosa with pyloric atresia. Also called: Epidermolysis bullosa, junctional, with pyloric atresia and aplasia cutis congenita; Epidermolysis bullosa junctionalis with pyloric atresia; ITGB4-Related Epidermolysis Bullosa with Pyloric Atresia; APLASIA CUTIS CONGENITA WITH GASTROINTESTINAL ATRESIA; CARMI SYNDROME; EB-PA-ACC. Identifiers: Orphanet 79403, MedGen C5676875, MONDO:0009183, OMIM 226730.
PLEC-related disorder. Also called: PLEC-related condition; PLEC-related disorders.
Inborn genetic diseases. Identifiers: MedGen C0950123, MeSH D030342.

Allele frequency attached by ClinVar (database versions not stated): gnomAD exomes 0.00022 and 0.00008; ExAC 0.00031; ESP Exome Variant Server 0.00008; gnomAD 0.00012; TOPMed 0.00013.
gnomAD v4.1: 147 of 1,592,592 alleles (0.0092%); highest among the groups gnomAD compares: Middle Eastern, 0.017%; 2 homozygotes.

Submissions (7):

Labcorp Genetics (formerly Invitae), Labcorp
Classification: Likely benign for Autosomal recessive limb-girdle muscular dystrophy type 2Q; Epidermolysis bullosa simplex, Ogna type; Epidermolysis bullosa simplex with nail dystrophy; Epidermolysis bullosa simplex 5C, with pyloric atresia; Epidermolysis bullosa simplex 5B, with muscular dystrophy. Last evaluated: 2025-07-21. Review status: criteria provided, single submitter. Criteria: Invitae Variant Classification Sherloc (09022015). Collection method: clinical testing. Allele origin: germline.

Revvity Omics, Revvity
Classification: Likely benign. Last evaluated: 2024-04-22. Review status: criteria provided, single submitter. Criteria: ACMG Guidelines, 2015. Collection method: clinical testing. Allele origin: germline.

Ambry Genetics
Classification: Uncertain significance for Inborn genetic diseases. Last evaluated: 2022-04-06. Review status: criteria provided, single submitter. Criteria: Ambry Variant Classification Scheme 2023. Collection method: clinical testing. Allele origin: germline.

Mayo Clinic Laboratories, Mayo Clinic
Classification: Uncertain significance. Last evaluated: 2021-04-01. Review status: criteria provided, single submitter. Criteria: ACMG Guidelines, 2015. Collection method: clinical testing. Allele origin: germline.

Department of Pathology and Laboratory Medicine, Sinai Health System
Classification: Uncertain significance for Epidermolysis bullosa simplex, Ogna type; Epidermolysis bullosa simplex 5B, with muscular dystrophy; Junctional epidermolysis bullosa with pyloric atresia; Epidermolysis bullosa simplex 5C, with pyloric atresia; Autosomal recessive limb-girdle muscular dystrophy type 2Q; Epidermolysis bullosa simplex with nail dystrophy. Last evaluated: 2020-05-26. Review status: criteria provided, single submitter. Criteria: ACMG Guidelines, 2015. Collection method: research. Allele origin: germline.

Eurofins Ntd Llc (ga)
Classification: Uncertain significance. Last evaluated: 2016-09-15. Review status: criteria provided, single submitter. Criteria: EGL Classification Definitions 2015. Collection method: clinical testing. Allele origin: germline. Observed: 3 variant alleles, 3 heterozygotes.

PreventionGenetics, part of Exact Sciences
Classification: Likely benign for PLEC-related condition. Last evaluated: 2024-04-11. Review status: no assertion criteria provided. Collection method: clinical testing. Allele origin: germline. Not counted in ClinVar's aggregate classification.
Comment: This variant is classified as likely benign based on ACMG/AMP sequence variant interpretation guidelines (Richards et al. 2015 PMID: 25741868, with internal and published modifications).

NM_201384.3(PLEC):c.3368C>T (p.Pro1123Leu)

Gene: PLEC (plectin; minus strand). Cytogenetic location: 8q24.3.
Variant type: single nucleotide variant.
Coding change: c.3368C>T on transcript NM_201384.3 (MANE Select); coding-DNA position 3368, C replaced by T.
Protein change: p.Pro1123Leu; replaces proline 1123 with leucine.
Molecular consequence: missense variant.
Genome position (GRCh38, 1-based): chr8:143,927,885, G>A on the plus strand (C>T on the coding strand, the complement: PLEC is on the minus strand). VCF-style: chr8-143927885-G-A. GRCh37 (hg19) VCF-style: chr8-145002053-G-A.
Other names: p.Pro1150Leu; c.3449C>T (NM_000445.3); c.3449C>T, p.Pro1150Leu (NM_000445.5); c.3326C>T, p.Pro1109Leu (NM_201378.4); c.3302C>T, p.Pro1101Leu (NM_201379.3); c.3779C>T, p.Pro1260Leu (NM_201380.4); c.3272C>T, p.Pro1091Leu (NM_201381.3); c.3368C>T, p.Pro1123Leu (NM_201382.4); and 1 more; short protein forms P1091L, P1109L, P1123L, P1150L, P1260L, P1101L, P1127L.
Identifiers: ClinVar variation 282499 (VCV000282499.27), dbSNP rs376494828, ClinGen allele CA4927108.